The following is an entry in ClinVar:

NM_001330288.2(SMARCC2):c.3008T>A (p.Ile1003Asn)

Gene: SMARCC2 (SWI/SNF related BAF chromatin remodeling complex subunit C2; minus strand). Cytogenetic location: 12q13.2.
Variant type: single nucleotide variant.
Coding change: c.3008T>A on transcript NM_001330288.2 (MANE Select); coding-DNA position 3008, T replaced by A.
Protein change: p.Ile1003Asn; replaces isoleucine 1003 with asparagine.
Molecular consequence: missense variant.
Genome position (GRCh38, 1-based): chr12:56,165,542, A>T on the plus strand (T>A on the coding strand, the complement: SMARCC2 is on the minus strand). VCF-style: chr12-56165542-A-T. GRCh37 (hg19) VCF-style: chr12-56559326-A-T.
Other names: c.3008T>A, p.Ile1003Asn (NM_001130420.3, NM_139067.4); c.2915T>A, p.Ile972Asn (NM_003075.5); short protein forms I1003N, I972N.
Identifiers: ClinVar variation 989296 (VCV000989296.4), dbSNP rs900995457, ClinGen allele CA237651094.

ClinVar aggregate classification (germline): Uncertain significance (1 of 4 stars; one submission).

Conditions:
SMARCC2-related neurodevelopmental disorder.

Allele frequency attached by ClinVar (database versions not stated): gnomAD 0.00001; gnomAD exomes 0.00001; TOPMed 0.00002.
gnomAD v4.1: 20 of 1,611,388 alleles (0.0012%); highest among the groups gnomAD compares: Non-Finnish European, 0.0016%; no homozygotes.

Submission:

Illumina Laboratory Services, Illumina
Classification: Uncertain significance for SMARCC2-related neurodevelopmental disorder. Last evaluated: 2020-06-11. Review status: criteria provided, single submitter. Criteria: ICSLVariantClassificationCriteria RUGD 01 April 2020. Collection method: clinical testing. Allele origin: unknown.
Comment: The SMARCC2 c.3008T>A (p.Ile1003Asn) variant is a missense variant. A literature search was performed for the gene, cDNA change, and amino acid change. No publications were found based on this search. This variant is reported at a frequency of 0.000018 in the European (non-Finnish) population of the Genome Aggregation Database. Based on the limited evidence, the p.Ile1003Asn variant is classified as a variant of uncertain significance for SMARCC2-related neurodevelopmental disorder.